The following is an entry in ClinVar:

ClinVar aggregate classification (germline): Conflicting classifications of pathogenicity. Review status: criteria provided, conflicting classifications (1 of 4 stars). 2 submissions from 2 submitters: Likely pathogenic (1); Uncertain significance (1). Last evaluated 2025-06-10.

Conditions:
Autosomal recessive limb-girdle muscular dystrophy type 2J (LGMDR10). Also called: Limb-girdle muscular dystrophy, type 2J; MUSCULAR DYSTROPHY, LIMB-GIRDLE, AUTOSOMAL RECESSIVE 10. Identifiers: Orphanet 140922, MedGen C1837342, MONDO:0012127, OMIM 608807.
Dilated cardiomyopathy 1G (CMD1G). Identifiers: Orphanet 154, MedGen C1858763, MONDO:0011400, OMIM 604145.

Submissions (2):

GeneDx
Classification: Uncertain significance. Last evaluated: 2025-06-10. Review status: criteria provided, single submitter. Criteria: GeneDx Variant Classification Process June 2021. Collection method: clinical testing. Allele origin: germline. Affected: yes.
Comment: Not observed at significant frequency in large population cohorts (gnomAD); Frameshift variant predicted to result in protein truncation or nonsense mediated decay in a gene or region of a gene for which loss of function is not a well-established mechanism of disease; Has not been previously published as pathogenic or benign to our knowledge

Labcorp Genetics (formerly Invitae), Labcorp
Classification: Likely pathogenic for Dilated cardiomyopathy 1G; Autosomal recessive limb-girdle muscular dystrophy type 2J. Last evaluated: 2024-10-18. Review status: criteria provided, single submitter. Criteria: Invitae Variant Classification Sherloc (09022015). Collection method: clinical testing. Allele origin: germline.
Comment: This sequence change creates a premature translational stop signal (p.Val5350Tyrfs*2) in the TTN gene. While this is not anticipated to result in nonsense mediated decay, it is expected to create a truncated TTN protein. This variant is not present in population databases (gnomAD no frequency). This variant has not been reported in the literature in individuals affected with TTN-related conditions. ClinVar contains an entry for this variant (Variation ID: 1964707). This variant is located in the I band of TTN (PMID: 25589632). Truncating variants in this region have been reported in individuals affected with autosomal recessive centronuclear myopathy (PMID: 23975875, internal data). Truncating variants in this region have also been identified in individuals affected with autosomal dominant dilated cardiomyopathy and/or cardio-related conditions (PMID: 27869827, 32964742, internal data). In summary, the currently available evidence indicates that the variant is pathogenic, but additional data are needed to prove that conclusively. Therefore, this variant has been classified as Likely Pathogenic.

Literature cited by the submitters: PubMed 25589632 (cited by Labcorp Genetics (formerly Invitae), Labcorp); PubMed 23975875 (cited by Labcorp Genetics (formerly Invitae), Labcorp); PubMed 27869827 (cited by Labcorp Genetics (formerly Invitae), Labcorp); PubMed 32964742 (cited by Labcorp Genetics (formerly Invitae), Labcorp).

NM_001267550.2(TTN):c.16048del (p.Val5350fs)

Gene: TTN (titin; minus strand). Cytogenetic location: 2q31.2.
Variant type: Deletion.
Coding change: c.16048del on transcript NM_001267550.2 (MANE Select); coding-DNA position 16048, one base deleted (G; older notation c.16048delG).
Protein change: p.Val5350fs; shifts the reading frame from valine 5350.
Molecular consequence: frameshift variant. On other transcripts: intron variant (3).
Genome position (GRCh38, 1-based): chr2:178,733,245, C deleted on the plus strand (G on the coding strand, the reverse complement: TTN is on the minus strand). VCF-style (leftmost placement, unchanged base first): chr2-178733244-AC-A. GRCh37 (hg19) VCF-style: chr2-179597971-AC-A.
Other names: c.16048del (NM_001267550.1); c.15097del, p.Val5033fs (NM_001256850.1); c.16048delG, p.Val5350Tyrfs (NM_001267550.1); c.12316del, p.Val4106fs (NM_133378.4); c.13282+4837del (NM_003319.4); c.13858+4837del (NM_133437.4); c.13657+4837del (NM_133432.3); short protein forms V5033fs, V4106fs, V5350fs.
Identifiers: ClinVar variation 1964707 (VCV001964707.6), dbSNP rs2530190552, ClinGen allele CA2580065112.